The following is an entry in ClinVar:

NM_001032283.3(TMPO):c.565+2494A>G

Gene: TMPO (thymopoietin; plus strand). Cytogenetic location: 12q23.1.
Variant type: single nucleotide variant.
Coding change: c.565+2494A>G on transcript NM_001032283.3 (MANE Select); 2494 bases into the intron after coding-DNA position 565, A replaced by G.
Molecular consequence: intron variant. On other transcripts: missense variant (1).
Genome position (GRCh38, 1-based): chr12:98,534,332, A>G. VCF-style: chr12-98534332-A-G. GRCh37 (hg19) VCF-style: chr12-98928110-A-G.
Other names: c.2075A>G, p.Asn692Ser (NM_003276.2); c.565+2494A>G (NM_001307975.2, NM_001032284.3); short protein forms N692S.
Identifiers: ClinVar variation 3458746 (VCV003458746.3).

ClinVar aggregate classification (germline): Uncertain significance. Review status: criteria provided, multiple submitters, no conflicts (2 of 4 stars). 2 submissions from 2 submitters: Uncertain significance (2). Last evaluated 2025-07-28.

Conditions:
Loeys-Dietz syndrome 2 (LDS2). Also called: TGFBR2-Related Loeys-Dietz Syndrome; AORTIC ANEURYSM, FAMILIAL THORACIC 3; MARFAN SYNDROME, TYPE II; Marfan syndrome, type 2 (formerly); Marfan Syndrome type 2; Marfan like connective tissue disorder. Identifiers: Orphanet 284973, Orphanet 558, MedGen C2674574, MONDO:0012427, OMIM 610168.

gnomAD v4.1: 1 of 1,612,232 alleles (0.000062%); highest among the groups gnomAD compares: African/African-American, 0.0013%; no homozygotes.

Submissions (2):

Labcorp Genetics (formerly Invitae), Labcorp
Classification: Uncertain significance for Loeys-Dietz syndrome 2. Last evaluated: 2025-07-28. Review status: criteria provided, single submitter. Criteria: Invitae Variant Classification Sherloc (09022015). Collection method: clinical testing. Allele origin: germline.
Comment: This sequence change replaces asparagine, which is neutral and polar, with serine, which is neutral and polar, at codon 692 of the TMPO protein (p.Asn692Ser). This variant is not present in population databases (gnomAD no frequency). This variant has not been reported in the literature in individuals affected with TMPO-related conditions. ClinVar contains an entry for this variant (Variation ID: 3458746). Invitae Evidence Modeling of protein sequence and biophysical properties (such as structural, functional, and spatial information, amino acid conservation, physicochemical variation, residue mobility, and thermodynamic stability) indicates that this missense variant is not expected to disrupt TMPO protein function with a negative predictive value of 80%. In summary, the available evidence is currently insufficient to determine the role of this variant in disease. Therefore, it has been classified as a Variant of Uncertain Significance.

Ambry Genetics
Classification: Uncertain significance. Last evaluated: 2024-10-25. Review status: criteria provided, single submitter. Criteria: Ambry Variant Classification Scheme 2023. Collection method: clinical testing. Allele origin: germline.
Comment: The p.N692S variant (also known as c.2075A>G), located in coding exon 4 of the TMPO gene, results from an A to G substitution at nucleotide position 2075. The asparagine at codon 692 is replaced by serine, an amino acid with highly similar properties. This amino acid position is conserved. In addition, this alteration is predicted to be tolerated by in silico analysis. Based on the available evidence, the clinical significance of this variant remains unclear.